The following is an entry in ClinVar:

ClinVar aggregate classification (germline): Uncertain significance (1 of 4 stars; one submission).

Submission:

Labcorp Genetics (formerly Invitae), Labcorp
Classification: Uncertain significance. Last evaluated: 2022-04-16. Review status: criteria provided, single submitter. Criteria: Invitae Variant Classification Sherloc (09022015). Collection method: clinical testing. Allele origin: germline.
Comment: This sequence change replaces aspartic acid, which is acidic and polar, with asparagine, which is neutral and polar, at codon 1337 of the SZT2 protein (p.Asp1337Asn). This variant is not present in population databases (gnomAD no frequency). This variant has not been reported in the literature in individuals affected with SZT2-related conditions. Algorithms developed to predict the effect of missense changes on protein structure and function are either unavailable or do not agree on the potential impact of this missense change (SIFT: "Tolerated"; PolyPhen-2: "Probably Damaging"; Align-GVGD: "Class C0"). In summary, the available evidence is currently insufficient to determine the role of this variant in disease. Therefore, it has been classified as a Variant of Uncertain Significance.

NM_001365999.1(SZT2):c.4180G>A (p.Asp1394Asn)

Gene: SZT2 (SZT2 subunit of KICSTOR complex; plus strand). Cytogenetic location: 1p34.2.
Variant type: single nucleotide variant.
Coding change: c.4180G>A on transcript NM_001365999.1 (MANE Select); coding-DNA position 4180, G replaced by A.
Protein change: p.Asp1394Asn; replaces aspartic acid 1394 with asparagine.
Molecular consequence: missense variant.
Genome position (GRCh38, 1-based): chr1:43,429,716, G>A. VCF-style: chr1-43429716-G-A. GRCh37 (hg19) VCF-style: chr1-43895387-G-A.
Other names: c.4009G>A, p.Asp1337Asn (NM_015284.4); short protein forms D1337N, D1394N.
Identifiers: ClinVar variation 2127074 (VCV002127074.1), dbSNP rs2545824729, ClinGen allele CA340020318.